The following is an entry in ClinVar:

NM_004629.2(FANCG):c.1207G>A (p.Ala403Thr)

Gene: FANCG (FA complementation group G; minus strand). Cytogenetic location: 9p13.3.
Variant type: single nucleotide variant.
Coding change: c.1207G>A on transcript NM_004629.2 (MANE Select); coding-DNA position 1207, G replaced by A.
Protein change: p.Ala403Thr; replaces alanine 403 with threonine.
Molecular consequence: missense variant.
Genome position (GRCh38, 1-based): chr9:35,075,691, C>T on the plus strand (G>A on the coding strand, the complement: FANCG is on the minus strand). VCF-style: chr9-35075691-C-T. GRCh37 (hg19) VCF-style: chr9-35075688-C-T.
Other names: short protein forms A403T.
Identifiers: ClinVar variation 3707568 (VCV003707568.3).
Genomic context (GRCh38, chr9:35,075,691, plus strand): 5'-GGCTGAGCAACTCCTCACATAGAGTCAAGGCATCTTGGGCTCTGCCTGCCTGGATCAGTG[C>T]TACCGCTGCCTCCAAAAACACCTCAGGCATACAGGGCCCTGGAGGGGAGGGGGGTGGGGA-3'
Protein context (NP_004620.1, residues 393-413): MPEVFLEAAV[Ala403Thr]LIQAGRAQDA

ClinVar aggregate classification (germline): Uncertain significance. Review status: criteria provided, multiple submitters, no conflicts (2 of 4 stars). 2 submissions from 2 submitters: Uncertain significance (2). Last evaluated 2025-08-04.

Conditions:
Inborn genetic diseases. Identifiers: MedGen C0950123, MeSH D030342.
Fanconi anemia (FA). Also called: Fanconi's anemia. Identifiers: Orphanet 84, MedGen C0015625, MeSH D005199, MONDO:0019391.

gnomAD v4.1: 8 of 1,608,614 alleles (0.0005%); highest among the groups gnomAD compares: African/African-American, 0.0096%; no homozygotes.

Submissions (2):

Labcorp Genetics (formerly Invitae), Labcorp
Classification: Uncertain significance for Fanconi anemia. Last evaluated: 2025-08-04. Review status: criteria provided, single submitter. Criteria: Invitae Variant Classification Sherloc (09022015). Collection method: clinical testing. Allele origin: germline.
Comment: This sequence change replaces alanine, which is neutral and non-polar, with threonine, which is neutral and polar, at codon 403 of the FANCG protein (p.Ala403Thr). This variant is present in population databases (no rsID available, gnomAD 0.007%). This variant has not been reported in the literature in individuals affected with FANCG-related conditions. ClinVar contains an entry for this variant (Variation ID: 3707568). Invitae Evidence Modeling of protein sequence and biophysical properties (such as structural, functional, and spatial information, amino acid conservation, physicochemical variation, residue mobility, and thermodynamic stability) has been performed for this missense variant. However, the output from this modeling did not meet the statistical confidence thresholds required to predict the impact of this variant on FANCG protein function. In summary, the available evidence is currently insufficient to determine the role of this variant in disease. Therefore, it has been classified as a Variant of Uncertain Significance.

Ambry Genetics
Classification: Uncertain significance for Inborn genetic diseases. Last evaluated: 2024-12-23. Review status: criteria provided, single submitter. Criteria: Ambry Variant Classification Scheme 2023. Collection method: clinical testing. Allele origin: germline.
Comment: The p.A403T variant (also known as c.1207G>A), located in coding exon 10 of the FANCG gene, results from a G to A substitution at nucleotide position 1207. The alanine at codon 403 is replaced by threonine, an amino acid with similar properties. This amino acid position is conserved. In addition, the in silico prediction for this alteration is inconclusive. Based on the available evidence, the clinical significance of this variant remains unclear.